The following is an entry in ClinVar:

NM_020810.3(TRMT5):c.635G>C (p.Arg212Pro)

Gene: TRMT5 (tRNA methyltransferase 5; minus strand). Cytogenetic location: 14q23.1.
Variant type: single nucleotide variant.
Coding change: c.635G>C on transcript NM_020810.3 (MANE Select); coding-DNA position 635, G replaced by C.
Protein change: p.Arg212Pro; replaces arginine 212 with proline.
Molecular consequence: missense variant.
Genome position (GRCh38, 1-based): chr14:60,979,263, C>G on the plus strand (G>C on the coding strand, the complement: TRMT5 is on the minus strand). VCF-style: chr14-60979263-C-G. GRCh37 (hg19) VCF-style: chr14-61445981-C-G.
Other names: c.719G>C, p.Arg240Pro (NM_001350253.1); c.716G>C, p.Arg239Pro (NM_001350254.1); short protein forms R212P, R239P, R240P.
Identifiers: ClinVar variation 1716970 (VCV001716970.5), dbSNP rs114005374, ClinGen allele CA389920484.
Genomic context (GRCh38, chr14:60,979,263, plus strand): 5'-TACATGAATATTACTATGACACACGTACCAATTAAATGTTTGAAAGGCAGCTGATGATCT[C>G]GAAGGTTTAGGTGTGCAATATGTCCAATCCTGCTAAACCCTGAAGTTACATCTTGACCTT-3'
Protein context (NP_065861.3, residues 202-222): RIGHIAHLNL[Arg212Pro]DHQLPFKHLI

ClinVar aggregate classification (germline): Uncertain significance (1 of 4 stars; one submission).

Submission:

Labcorp Genetics (formerly Invitae), Labcorp
Classification: Uncertain significance. Last evaluated: 2022-08-19. Review status: criteria provided, single submitter. Criteria: Invitae Variant Classification Sherloc (09022015). Collection method: clinical testing. Allele origin: germline.
Comment: This sequence change replaces arginine, which is basic and polar, with proline, which is neutral and non-polar, at codon 212 of the TRMT5 protein (p.Arg212Pro). This variant is not present in population databases (gnomAD no frequency). This variant has not been reported in the literature in individuals affected with TRMT5-related conditions. Algorithms developed to predict the effect of missense changes on protein structure and function are either unavailable or do not agree on the potential impact of this missense change (SIFT: "Deleterious"; PolyPhen-2: "Possibly Damaging"; Align-GVGD: "Class C0"). In summary, the available evidence is currently insufficient to determine the role of this variant in disease. Therefore, it has been classified as a Variant of Uncertain Significance.